The following is an entry in ClinVar:

ClinVar aggregate classification (germline): Pathogenic (1 of 4 stars; one submission).

Conditions:
Familial adenomatous polyposis 2. Also called: MUTYH Polyposis; FAP type 2; Adenomas, multiple colorectal; COLORECTAL ADENOMATOUS POLYPOSIS, AUTOSOMAL RECESSIVE; ADENOMAS, MULTIPLE COLORECTAL, AUTOSOMAL RECESSIVE; MUTYH-associated polyposis. Identifiers: Orphanet 220460, Orphanet 247798, MedGen C3272841, MONDO:0012041, OMIM 608456.

Submission:

Labcorp Genetics (formerly Invitae), Labcorp
Classification: Pathogenic for Familial adenomatous polyposis 2. Last evaluated: 2022-08-01. Review status: criteria provided, single submitter. Criteria: Invitae Variant Classification Sherloc (09022015). Collection method: clinical testing. Allele origin: germline.
Comment: This variant disrupts a region of the MUTYH protein in which other variant(s) (p.Arg182His) have been determined to be pathogenic (PMID: 15366000, 16557584, 19032956, 19394335, 20618354, 20848659, 23322991). This suggests that this is a clinically significant region of the protein, and that variants that disrupt it are likely to be disease-causing. ClinVar contains an entry for this variant (Variation ID: 937969). This variant has not been reported in the literature in individuals affected with MUTYH-related conditions. This variant is a gross deletion of the genomic region encompassing exon(s) 7 of the MUTYH gene. This variant would be expected to be in-frame, preserving the integrity of the reading frame. For these reasons, this variant has been classified as Pathogenic.

Literature cited by the submitters: PubMed 15366000; PubMed 16557584; PubMed 19032956; PubMed 19394335; PubMed 20618354; PubMed 20848659; PubMed 23322991.

NC_000001.10:g.(?_45798384)_(45798589_?)del

Gene: MUTYH (mutY DNA glycosylase; minus strand). Cytogenetic location: 1p34.1.
Variant type: Deletion.
Identifiers: ClinVar variation 2423772 (VCV002423772.4).